The following is an entry in ClinVar:

ClinVar aggregate classification (germline): Uncertain significance (1 of 4 stars; one submission).

gnomAD v4.1: 1 of 1,614,226 alleles (0.000062%); highest among the groups gnomAD compares: South Asian, 0.0011%; no homozygotes.

Submission:

CeGaT Center for Human Genetics Tuebingen
Classification: Uncertain significance. Last evaluated: 2024-09-01. Review status: criteria provided, single submitter. Criteria: CeGaT Center For Human Genetics Tuebingen Variant Classification Criteria Version 2. Collection method: clinical testing. Allele origin: germline. Affected: yes. Observed: 1 variant allele.
Comment: ADAR: PM2, BP4

NM_001111.5(ADAR):c.2123T>C (p.Met708Thr)

Gene: ADAR (adenosine deaminase RNA specific; minus strand). Cytogenetic location: 1q21.3.
Variant type: single nucleotide variant.
Coding change: c.2123T>C on transcript NM_001111.5 (MANE Select); coding-DNA position 2123, T replaced by C.
Protein change: p.Met708Thr; replaces methionine 708 with threonine.
Molecular consequence: missense variant. On other transcripts: intron variant (1).
Genome position (GRCh38, 1-based): chr1:154,596,952, A>G on the plus strand (T>C on the coding strand, the complement: ADAR is on the minus strand). VCF-style: chr1-154596952-A-G. GRCh37 (hg19) VCF-style: chr1-154569428-A-G.
Other names: c.1238T>C, p.Met413Thr (NM_001025107.3, NM_001193495.2, NM_001365046.1 and 3 more transcripts); c.2150T>C, p.Met717Thr (NM_001365045.1); c.2123T>C, p.Met708Thr (NM_015840.4); c.2080-14T>C (NM_015841.4); short protein forms M413T, M708T, M717T.
Identifiers: ClinVar variation 3389286 (VCV003389286.14).